The following is an entry in ClinVar:

NM_002563.5(P2RY1):c.871C>T (p.Gln291Ter)

Gene: P2RY1 (purinergic receptor P2Y1; plus strand). Cytogenetic location: 3q25.2.
Variant type: single nucleotide variant.
Coding change: c.871C>T on transcript NM_002563.5 (MANE Select); coding-DNA position 871, C replaced by T.
Protein change: p.Gln291Ter; replaces glutamine 291 with a stop codon.
Molecular consequence: nonsense.
Genome position (GRCh38, 1-based): chr3:152,836,653, C>T. VCF-style: chr3-152836653-C-T. GRCh37 (hg19) VCF-style: chr3-152554442-C-T.
Other names: p.Gln291*; short protein forms Q291*.
Identifiers: ClinVar variation 4540942 (VCV004540942.1).

ClinVar aggregate classification (germline): Uncertain significance (1 of 4 stars; one submission).

Submission:

Mayo Clinic Laboratories, Mayo Clinic
Classification: Uncertain significance. Last evaluated: 2025-10-30. Review status: criteria provided, single submitter. Criteria: ACMG Guidelines, 2015. Collection method: clinical testing. Allele origin: germline. Observed: 1 variant allele.
Comment: PM2_supporting, PVS1_strong